The following is an entry in ClinVar:

NM_006015.6(ARID1A):c.511C>G (p.Gln171Glu)

Gene: ARID1A (AT-rich interaction domain 1A; plus strand). Cytogenetic location: 1p36.11.
Variant type: single nucleotide variant.
Coding change: c.511C>G on transcript NM_006015.6 (MANE Select); coding-DNA position 511, C replaced by G.
Protein change: p.Gln171Glu; replaces glutamine 171 with glutamic acid.
Molecular consequence: missense variant.
Genome position (GRCh38, 1-based): chr1:26,696,914, C>G. VCF-style: chr1-26696914-C-G. GRCh37 (hg19) VCF-style: chr1-27023405-C-G.
Other names: c.511C>G, p.Gln171Glu (NM_139135.4); short protein forms Q171E.
Identifiers: ClinVar variation 2505712 (VCV002505712.1), dbSNP rs750618829, ClinGen allele CA339265443.

ClinVar aggregate classification (germline): Uncertain significance (1 of 4 stars; one submission).

Submission:

GeneDx
Classification: Uncertain significance. Last evaluated: 2022-12-13. Review status: criteria provided, single submitter. Criteria: GeneDx Variant Classification Process June 2021. Collection method: clinical testing. Allele origin: germline. Affected: yes.
Comment: Not observed at significant frequency in large population cohorts (gnomAD); In silico analysis supports that this missense variant does not alter protein structure/function; Has not been previously published as pathogenic or benign to our knowledge